The following is an entry in ClinVar:

ClinVar aggregate classification (germline): Uncertain significance. Review status: criteria provided, multiple submitters, no conflicts (2 of 4 stars). 3 submissions from 3 submitters: Uncertain significance (2). 1 of the submissions does not count toward it. Last evaluated 2022-07-15.

Conditions:
Sanfilippo syndrome. Also called: Sanfilippo disease; Mucopolysaccharidosis Type III; Mucopolysaccharidosis type 3. Identifiers: Orphanet 581, MedGen C0026706, MONDO:0018937.
Mucopolysaccharidosis, MPS-III-D (MPS3D). Also called: MPS III D; Mucopoly-saccharidosis type 3D; N-acetylglucosamine-6-sulfate sulfatase deficiency; MPS 3D; MPS IIID (Sanfilippo Syndrome Type D); MUCOPOLYSACCHARIDOSIS, TYPE IIID. Identifiers: Orphanet 581, Orphanet 79272, MedGen C0086650, MONDO:0009658, OMIM 252940.

Allele frequency attached by ClinVar (database versions not stated): gnomAD exomes 0.00001; TOPMed below 0.00001; ExAC 0.00002.
gnomAD v4.1: 11 of 1,612,902 alleles (0.00068%); highest among the groups gnomAD compares: South Asian, 0.0011%; no homozygotes.

Submissions (3):

Labcorp Genetics (formerly Invitae), Labcorp
Classification: Uncertain significance for Mucopolysaccharidosis, MPS-III-D. Last evaluated: 2022-07-15. Review status: criteria provided, single submitter. Criteria: Invitae Variant Classification Sherloc (09022015). Collection method: clinical testing. Allele origin: germline.
Comment: This sequence change replaces arginine, which is basic and polar, with histidine, which is basic and polar, at codon 421 of the GNS protein (p.Arg421His). This variant is present in population databases (rs774084161, gnomAD 0.002%). This variant has not been reported in the literature in individuals affected with GNS-related conditions. ClinVar contains an entry for this variant (Variation ID: 432779). Algorithms developed to predict the effect of missense changes on protein structure and function output the following: SIFT: "Tolerated"; PolyPhen-2: "Benign"; Align-GVGD: "Class C0". The histidine amino acid residue is found in multiple mammalian species, which suggests that this missense change does not adversely affect protein function. In summary, the available evidence is currently insufficient to determine the role of this variant in disease. Therefore, it has been classified as a Variant of Uncertain Significance.

GeneDx
Classification: Uncertain significance. Last evaluated: 2017-06-21. Review status: criteria provided, single submitter. Criteria: GeneDx Variant Classification (06012015). Collection method: clinical testing. Allele origin: germline. Affected: yes.
Comment: The R421H variant in the GNS gene has not been reported previously as a pathogenic variant, nor as a benign variant, to our knowledge. The R421H variant is not observed at a significant frequency in large population cohorts (Lek et al., 2016; 1000 Genomes Consortium et al., 2015; Exome Variant Server). The R421H variant is a conservative amino acid substitution, which is not likely to impact secondary protein structure as these residues share similar properties. This substitution occurs at a position that is not conserved. In silico analysis is inconsistent in its predictions as to whether or not the variant is damaging to the protein structure/function. We interpret R421H as a variant of uncertain significance.

Natera, Inc.
Classification: Uncertain significance for Sanfilippo disease. Last evaluated: 2020-08-25. Review status: no assertion criteria provided. Collection method: clinical testing. Allele origin: germline. Not counted in ClinVar's aggregate classification.

NM_002076.4(GNS):c.1262G>A (p.Arg421His)

Gene: GNS (glucosamine (N-acetyl)-6-sulfatase; minus strand). Cytogenetic location: 12q14.3.
Variant type: single nucleotide variant.
Coding change: c.1262G>A on transcript NM_002076.4 (MANE Select); coding-DNA position 1262, G replaced by A.
Protein change: p.Arg421His; replaces arginine 421 with histidine.
Molecular consequence: missense variant.
Genome position (GRCh38, 1-based): chr12:64,723,052, C>T on the plus strand (G>A on the coding strand, the complement: GNS is on the minus strand). VCF-style: chr12-64723052-C-T. GRCh37 (hg19) VCF-style: chr12-65116832-C-T.
Other names: short protein forms R421H.
Identifiers: ClinVar variation 432779 (VCV000432779.5), dbSNP rs774084161, ClinGen allele CA6669709.